The following is an entry in ClinVar:

ClinVar aggregate classification (germline): Uncertain significance (1 of 4 stars; one submission).

Conditions:
Age related macular degeneration 4. Identifiers: MedGen C1853147, MONDO:0012540, OMIM 610698.

Submission:

Genomenon, Inc
Classification: Uncertain significance for Age related macular degeneration 4. Last evaluated: 2025-10-02. Review status: criteria provided, single submitter. Criteria: Genomenon Sequence Variant Interpretation Standards - Updated. Collection method: curation. Allele origin: germline. Affected: yes.
Comment: CFH p.Trp379Arg (c.1135T>C) is a missense variant that changes the amino acid at residue 379 from Tryptophan to Arginine. This variant has been observed in at least one proband affected with age-related macular degeneration (PMID:25814826). It is absent or not present at a significant frequency in gnomAD. In silico models agree that this variant is possibly or probably damaging. In conclusion, we classify CFH p.Trp379Arg (c.1135T>C) as a variant of uncertain significance.

Literature cited by the submitters: PubMed 25814826.

NM_000186.4(CFH):c.1135T>C (p.Trp379Arg)

Gene: CFH (complement factor H; plus strand). Cytogenetic location: 1q31.3.
Variant type: single nucleotide variant.
Coding change: c.1135T>C on transcript NM_000186.4 (MANE Select); coding-DNA position 1135, T replaced by C.
Protein change: p.Trp379Arg; replaces tryptophan 379 with arginine.
Molecular consequence: missense variant.
Genome position (GRCh38, 1-based): chr1:196,689,590, T>C. VCF-style: chr1-196689590-T-C. GRCh37 (hg19) VCF-style: chr1-196658720-T-C.
Other names: c.1135T>C, p.Trp379Arg (NM_001014975.3); short protein forms W379R.
Identifiers: ClinVar variation 4291655 (VCV004291655.1).
Genomic context (GRCh38, chr1:196,689,590, plus strand): 5'-GAACATTTTGAGACTCCGTCAGGAAGTTACTGGGATCACATTCATTGCACACAAGATGGA[T>C]GGTCGCCAGCAGTACCATGCCTCAGTAAGTAAACCTCTGAACTGCTATATATATGTATAA-3'
Protein context (NP_000177.2, residues 369-389): WDHIHCTQDG[Trp379Arg]SPAVPCLRKC